The following is an entry in ClinVar:

ClinVar aggregate classification (germline): Uncertain significance. Review status: reviewed by expert panel (3 of 4 stars). 3 submissions from 3 submitters: Uncertain significance (1). 2 of the submissions do not count toward it. Last evaluated 2025-08-01.

Conditions:
Malignant hyperthermia, susceptibility to, 1 (MHS1). Also called: Anesthesia related hyperthermia; Malignant hyperpyrexia; Fulminating hyperpyrexia; Pharmacogenic myopathy; RYR1-Related Malignant Hyperthermia Susceptibility; Malignant hyperthermia suceptibility 1. Identifiers: Orphanet 423, MedGen C2930980, MONDO:0007783, OMIM 145600.
Malignant hyperthermia of anesthesia. Also called: Anesthesic-triggered malignant hyperthermia. Identifiers: Orphanet 423, MedGen C0024591, MONDO:0018493, HP:0034733.

Allele frequency attached by ClinVar (database versions not stated): gnomAD exomes below 0.00001.
gnomAD v4.1: 1 of 1,589,416 alleles (0.000063%); highest among the groups gnomAD compares: Non-Finnish European, 0.000086%; no homozygotes.

Submissions (3):

ClinGen Malignant Hyperthermia Susceptibility Variant Curation Expert Panel, ClinGen
Classification: Uncertain significance for Malignant hyperthermia of anesthesia. Last evaluated: 2025-08-01. Review status: reviewed by expert panel. Criteria: ClinGen MHS ACMG Specifications V2. Collection method: curation. Allele origin: germline. Inheritance: Autosomal dominant inheritance.
Comment: This pathogenicity assessment is relevant only for malignant hyperthermia susceptibility (MHS) inherited in an autosomal dominant pattern. Variants in RYR1 can also cause other myopathies inherited in an autosomal dominant pattern or in an autosomal recessive pattern. Some of these disorders may predispose individuals to malignant hyperthermia. RYR1 variants may also contribute to a malignant hyperthermia reaction in combination with other genetic and non-genetic factors and the clinician needs to consider such factors in making management decisions. This sequence variant predicts a substitution of methionine with arginine at codon 4230 of the RYR1 protein, p.(Met4230Arg). This variant was not present in a large population database (gnomAD) at the time this variant was interpreted. This variant has been reported in two unrelated individuals who have a personal or family history of a malignant hyperthermia reaction, two of these individuals had a positive in vitro contracture test (IVCT) or caffeine halothane contracture test (CHCT) result (if the proband was unavailable for testing, a positive diagnostic test result in a mutation-positive relative was counted), PS4_Moderate (PMID: 23558838, 30236257, 25658027). No functional studies were identified for this variant. This variant does not reside in a hotspot for pathogenic variants that contribute to MHS. A REVEL score >0.85 (0.928) supports a pathogenic status for this variant, PP3_Moderate. This variant has been classified as a Variant of Unknown Significance. Criteria implemented: PS4_Moderate, PP3_Moderate.

All of Us Research Program, National Institutes of Health
Classification: Uncertain significance for Malignant hyperthermia, susceptibility to, 1. Last evaluated: 2024-03-24. Review status: criteria provided, single submitter. Criteria: ACMG Guidelines, 2015. Collection method: clinical testing. Allele origin: germline. Inheritance: Autosomal dominant inheritance. Observed: 1 variant allele, 1 heterozygote. Not counted in ClinVar's aggregate classification.
Comment: This missense variant replaces methionine with arginine at codon 4230 of the RYR1 protein. Computational prediction suggests that this variant may have deleterious impact on protein structure and function. To our knowledge, functional studies have not been reported for this variant. This variant has been reported in individuals affected with malignant hyperthermia susceptibility (PMID: 25658027, 30236257). This variant has not been identified in the general population by the Genome Aggregation Database (gnomAD). The available evidence is insufficient to determine the role of this variant in disease conclusively. Therefore, this variant is classified as a Variant of Uncertain Significance.

This study involves interpretation of variants in research participants for the purpose of population health screening. Participant phenotype was not available at the time of variant classification. Additional details can be found in publication PMID: 35346344, PMCID: PMC8962531

PreventionGenetics, part of Exact Sciences
Classification: Uncertain significance. Last evaluated: 2016-06-20. Review status: criteria provided, single submitter. Criteria: ACMG Guidelines, 2015. Collection method: clinical testing. Allele origin: germline. Not counted in ClinVar's aggregate classification.

Literature cited by the submitters: PubMed 25658027 (cited by All of Us Research Program, National Institutes of Health); PubMed 30236257 (cited by All of Us Research Program, National Institutes of Health).

NM_000540.3(RYR1):c.12689T>G (p.Met4230Arg)

Gene: RYR1 (ryanodine receptor 1; plus strand). Cytogenetic location: 19q13.2.
Variant type: single nucleotide variant.
Coding change: c.12689T>G on transcript NM_000540.3 (MANE Select); coding-DNA position 12689, T replaced by G.
Protein change: p.Met4230Arg; replaces methionine 4230 with arginine.
Molecular consequence: missense variant.
Genome position (GRCh38, 1-based): chr19:38,565,023, T>G. VCF-style: chr19-38565023-T-G. GRCh37 (hg19) VCF-style: chr19-39055663-T-G.
Other names: c.12674T>G, p.Met4225Arg (NM_001042723.2); c.12689T>G (NM_000540.2); short protein forms M4230R, M4225R.
Identifiers: ClinVar variation 590413 (VCV000590413.6), dbSNP rs1568581848, ClinGen allele CA405670927.